The following is an entry in ClinVar:

NM_001387011.1(AMBRA1):c.2073-5603G>A

Gene: AMBRA1 (autophagy and beclin 1 regulator 1; minus strand). Cytogenetic location: 11p11.2.
Variant type: single nucleotide variant.
Coding change: c.2073-5603G>A on transcript NM_001387011.1 (MANE Select); 5603 bases into the intron before coding-DNA position 2073, G replaced by A.
Molecular consequence: intron variant. On other transcripts: missense variant (1).
Genome position (GRCh38, 1-based): chr11:46,518,416, C>T on the plus strand (G>A on the coding strand, the complement: AMBRA1 is on the minus strand). VCF-style: chr11-46518416-C-T. GRCh37 (hg19) VCF-style: chr11-46539966-C-T.
Other names: c.1813G>A, p.Ala605Thr (NM_001267782.2); c.1803-5603G>A (NM_017749.3, NM_001367471.1); c.1266-5603G>A (NM_001367470.1); c.1802+23529G>A (NM_001367469.1); c.1803-10046G>A (NM_001267783.2); c.2073-5603G>A (NM_001300731.2, NM_001367468.1); short protein forms A605T.
Identifiers: ClinVar variation 3351291 (VCV003351291.1).

ClinVar aggregate classification (germline): Uncertain significance (0 of 4 stars; one submission).

Conditions:
AMBRA1-related disorder. Also called: AMBRA1-related condition.

Submission:

PreventionGenetics, part of Exact Sciences
Classification: Uncertain significance for AMBRA1-related condition. Last evaluated: 2024-03-12. Review status: no assertion criteria provided. Collection method: clinical testing. Allele origin: germline.
Comment: The AMBRA1 c.1813G>A variant is predicted to result in the amino acid substitution p.Ala605Thr. To our knowledge, this variant has not been reported in the literature or in a large population database, indicating this variant is rare. At this time, the clinical significance of this variant is uncertain due to the absence of conclusive functional and genetic evidence.